The following is an entry in ClinVar:

ClinVar aggregate classification (germline): Uncertain significance. Review status: criteria provided, single submitter (1 of 4 stars). 4 submissions from 2 submitters: Uncertain significance (1). 3 of the submissions do not count toward it.

Conditions:
SPERMATOGENIC FAILURE 103 (SPGF103). Identifiers: MedGen CN382119, OMIM 621619.
OOCYTE/ZYGOTE/EMBRYO MATURATION ARREST 26 (OZEMA26). Identifiers: MedGen CN382120, OMIM 621620.
Hydatidiform mole, recurrent, 3. Identifiers: MedGen C5193093, MONDO:0032746, OMIM 618431.

gnomAD v4.1: 2 of 1,612,648 alleles (0.00012%); highest among the groups gnomAD compares: East Asian, 0.0022%; no homozygotes.

Submissions (4):

Juno Genomics, Hangzhou Juno Genomics, Inc
Classification: Uncertain significance for Hydatidiform mole, recurrent, 3. Review status: criteria provided, single submitter. Criteria: ACMG Guidelines, 2015. Collection method: clinical testing. Allele origin: germline. Affected: yes.
Comment: Well-established in vitro or in vivo functional studies supportive of a damaging effect on the gene or gene product.;Absent from controls (or at extremely low frequency if recessive) in Genome Aggregation Database, Exome Sequencing Project, 1000 Genomes Project, or Exome Aggregation Consortium.;For recessive disorders, detected in trans with a pathogenic variant.;Co-segregation with disease in multiple affected family members in a gene definitively known to cause the disease.

OMIM
Classification: Pathogenic for SPERMATOGENIC FAILURE 103. Last evaluated: 2026-06-15. Review status: no assertion criteria provided. Collection method: literature only. Allele origin: germline. Not counted in ClinVar's aggregate classification.

OMIM
Classification: Pathogenic for HYDATIDIFORM MOLE, RECURRENT, 3. Last evaluated: 2026-06-15. Review status: no assertion criteria provided. Collection method: literature only. Allele origin: germline. Not counted in ClinVar's aggregate classification.

OMIM
Classification: Pathogenic for OOCYTE/ZYGOTE/EMBRYO MATURATION ARREST 26. Last evaluated: 2026-06-15. Review status: no assertion criteria provided. Collection method: literature only. Allele origin: germline. Not counted in ClinVar's aggregate classification.

Literature cited by the submitters: PubMed 34037756 (cited by OMIM); PubMed 36759719 (cited by OMIM).

NM_152513.4(MEI1):c.186G>C (p.Lys62Asn)

Gene: MEI1 (meiotic double-stranded break formation protein 1; plus strand). Cytogenetic location: 22q13.2.
Variant type: single nucleotide variant.
Coding change: c.186G>C on transcript NM_152513.4 (MANE Select); coding-DNA position 186, G replaced by C.
Protein change: p.Lys62Asn; replaces lysine 62 with asparagine.
Molecular consequence: missense variant.
Genome position (GRCh38, 1-based): chr22:41,703,342, G>C. VCF-style: chr22-41703342-G-C. GRCh37 (hg19) VCF-style: chr22-42099346-G-C.
Other names: short protein forms K62N.
Identifiers: ClinVar variation 3383130 (VCV003383130.3).
Genomic context (GRCh38, chr22:41,703,342, plus strand): 5'-ATAGCCAAAATTTGGTTGCTATTGAATGTTTTTCTTCATTTGCTTCAAGTTAGTGCGCAA[G>C]AAGCACATGTTGTCCTGCTTCCAAGATGCCCTTGTGAGGCATACCTCCCTGGTCACGCAA-3'
Protein context (NP_689726.3, residues 52-72): LPDPGVSLVR[Lys62Asn]KHMLSCFQDA